The following is an entry in ClinVar:

ClinVar aggregate classification (germline): Uncertain significance. Review status: criteria provided, multiple submitters, no conflicts (2 of 4 stars). 3 submissions from 3 submitters: Uncertain significance (3). Last evaluated 2024-04-08.

Conditions:
Juvenile polyposis syndrome (JPS). Identifiers: Orphanet 2929, MedGen C0345893, MONDO:0017380, OMIM 174900.
Hereditary cancer-predisposing syndrome. Also called: Hereditary Cancer Syndrome; Hereditary neoplastic syndrome; Neoplastic Syndromes, Hereditary; Tumor predisposition. Identifiers: Orphanet 140162, MedGen C0027672, MeSH D009386, MONDO:0015356.

Submissions (3):

Labcorp Genetics (formerly Invitae), Labcorp
Classification: Uncertain significance for Juvenile polyposis syndrome. Last evaluated: 2024-04-08. Review status: criteria provided, single submitter. Criteria: Invitae Variant Classification Sherloc (09022015). Collection method: clinical testing. Allele origin: germline.
Comment: This sequence change replaces leucine, which is neutral and non-polar, with phenylalanine, which is neutral and non-polar, at codon 134 of the BMPR1A protein (p.Leu134Phe). This variant is not present in population databases (gnomAD no frequency). This variant has not been reported in the literature in individuals affected with BMPR1A-related conditions. ClinVar contains an entry for this variant (Variation ID: 1330137). Advanced modeling of protein sequence and biophysical properties (such as structural, functional, and spatial information, amino acid conservation, physicochemical variation, residue mobility, and thermodynamic stability) has been performed at Invitae for this missense variant, however the output from this modeling did not meet the statistical confidence thresholds required to predict the impact of this variant on BMPR1A protein function. In summary, the available evidence is currently insufficient to determine the role of this variant in disease. Therefore, it has been classified as a Variant of Uncertain Significance.

Ambry Genetics
Classification: Uncertain significance for Hereditary cancer-predisposing syndrome. Last evaluated: 2023-06-24. Review status: criteria provided, single submitter. Criteria: Ambry Variant Classification Scheme 2023. Collection method: clinical testing. Allele origin: germline.
Comment: The p.L134F variant (also known as c.402G>C), located in coding exon 4 of the BMPR1A gene, results from a G to C substitution at nucleotide position 402. The leucine at codon 134 is replaced by phenylalanine, an amino acid with highly similar properties. This amino acid position is conserved. In addition, the in silico prediction for this alteration is inconclusive. Since supporting evidence is limited at this time, the clinical significance of this alteration remains unclear.

Quest Diagnostics Nichols Institute San Juan Capistrano
Classification: Uncertain significance. Last evaluated: 2021-05-28. Review status: criteria provided, single submitter. Criteria: Quest Diagnostics criteria. Collection method: clinical testing. Allele origin: unknown.

NM_004329.3(BMPR1A):c.402G>C (p.Leu134Phe)

Gene: BMPR1A (bone morphogenetic protein receptor type 1A; plus strand). Cytogenetic location: 10q23.2.
Variant type: single nucleotide variant.
Coding change: c.402G>C on transcript NM_004329.3 (MANE Select); coding-DNA position 402, G replaced by C.
Protein change: p.Leu134Phe; replaces leucine 134 with phenylalanine.
Molecular consequence: missense variant.
Genome position (GRCh38, 1-based): chr10:86,899,862, G>C. VCF-style: chr10-86899862-G-C. GRCh37 (hg19) VCF-style: chr10-88659619-G-C.
Other names: short protein forms L134F.
Identifiers: ClinVar variation 1330137 (VCV001330137.9), dbSNP rs2133454421, ClinGen allele CA377449748.